The following is an entry in ClinVar:

NM_018723.4(RBFOX1):c.257C>G (p.Ser86Cys)

Gene: RBFOX1 (RNA binding fox-1 homolog 1; plus strand). Cytogenetic location: 16p13.3.
Variant type: single nucleotide variant.
Coding change: c.257C>G on transcript NM_018723.4 (MANE Select); coding-DNA position 257, C replaced by G.
Protein change: p.Ser86Cys; replaces serine 86 with cysteine.
Molecular consequence: missense variant.
Genome position (GRCh38, 1-based): chr16:7,518,376, C>G. VCF-style: chr16-7518376-C-G. GRCh37 (hg19) VCF-style: chr16-7568378-C-G.
Other names: c.257C>G, p.Ser86Cys (NM_001142333.2, NM_001142334.2, NM_001364800.2); c.386C>G, p.Ser129Cys (NM_001308117.1); c.317C>G, p.Ser106Cys (NM_145891.3, NM_145892.3, NM_145893.3); c.317C>G (NM_145891.2); short protein forms S129C, S106C, S86C.
Identifiers: ClinVar variation 1351285 (VCV001351285.9), dbSNP rs2152190628, ClinGen allele CA394796742.
Genomic context (GRCh38, chr16:7,518,376, plus strand): 5'-ACCCTCCCGCCCAGACGCACTCCGAGCAGAGCCCGGCGGACACGAGCGCTCAGACCGTCT[C>G]TGGCACCGCCACAGTAAGTGGACGTGTTTGCTACGGGTGGGAGGTTATGGGGAGGCGCCC-3'
Protein context (NP_061193.2, residues 76-96): SPADTSAQTV[Ser86Cys]GTATQTDDAA

ClinVar aggregate classification (germline): Uncertain significance. Review status: criteria provided, multiple submitters, no conflicts (2 of 4 stars). 2 submissions from 2 submitters: Uncertain significance (2). Last evaluated 2024-02-16.

Conditions:
Idiopathic generalized epilepsy. Also called: Generalised epilepsy; EIG. Identifiers: MedGen C0270850, MONDO:0005579, OMIM 600669.
RBFOX1-related disorder. Also called: RBFOX1-related condition.

gnomAD v4.1: 3 of 1,609,088 alleles (0.00019%); highest among the groups gnomAD compares: Non-Finnish European, 0.00017%; no homozygotes.

Submissions (2):

Labcorp Genetics (formerly Invitae), Labcorp
Classification: Uncertain significance for Idiopathic generalized epilepsy. Last evaluated: 2024-02-16. Review status: criteria provided, single submitter. Criteria: Invitae Variant Classification Sherloc (09022015). Collection method: clinical testing. Allele origin: germline.
Comment: This sequence change replaces serine, which is neutral and polar, with cysteine, which is neutral and slightly polar, at codon 106 of the RBFOX1 protein (p.Ser106Cys). This variant is not present in population databases (gnomAD no frequency). This variant has not been reported in the literature in individuals affected with RBFOX1-related conditions. ClinVar contains an entry for this variant (Variation ID: 1351285). Advanced modeling of protein sequence and biophysical properties (such as structural, functional, and spatial information, amino acid conservation, physicochemical variation, residue mobility, and thermodynamic stability) performed at Invitae indicates that this missense variant is not expected to disrupt RBFOX1 protein function with a negative predictive value of 80%. In summary, the available evidence is currently insufficient to determine the role of this variant in disease. Therefore, it has been classified as a Variant of Uncertain Significance.

PreventionGenetics, part of Exact Sciences
Classification: Uncertain significance for RBFOX1-related condition. Last evaluated: 2023-08-09. Review status: criteria provided, single submitter. Criteria: ACMG Guidelines, 2015. Collection method: clinical testing. Allele origin: germline.
Comment: The RBFOX1 c.317C>G variant is predicted to result in the amino acid substitution p.Ser106Cys. To our knowledge, this variant has not been reported in the literature or in a large population database, indicating this variant is rare. At this time, the clinical significance of this variant is uncertain due to the absence of conclusive functional and genetic evidence.